The following is an entry in ClinVar:

NM_004006.3(DMD):c.956C>T (p.Ser319Leu)

Gene: DMD (dystrophin; minus strand). Cytogenetic location: Xp21.1.
Variant type: single nucleotide variant.
Coding change: c.956C>T on transcript NM_004006.3 (MANE Select); coding-DNA position 956, C replaced by T.
Protein change: p.Ser319Leu; replaces serine 319 with leucine.
Molecular consequence: missense variant.
Genome position (GRCh38, 1-based): chrX:32,697,874, G>A on the plus strand (C>T on the coding strand, the complement: DMD is on the minus strand). VCF-style: chrX-32697874-G-A. GRCh37 (hg19) VCF-style: chrX-32715991-G-A.
Other names: c.932C>T, p.Ser311Leu (NM_000109.4); c.944C>T, p.Ser315Leu (NM_004009.3); c.587C>T, p.Ser196Leu (NM_004010.3); short protein forms S319L, S196L, S311L, S315L.
Identifiers: ClinVar variation 507110 (VCV000507110.11), dbSNP rs765986138, ClinGen allele CA10380021.

ClinVar aggregate classification (germline): Conflicting classifications of pathogenicity. Review status: criteria provided, conflicting classifications (1 of 4 stars). 5 submissions from 5 submitters: Uncertain significance (2); Likely benign (2). 1 of the submissions does not count toward it. Last evaluated 2025-12-17.

Conditions:
Duchenne muscular dystrophy (DMD). Also called: MUSCULAR DYSTROPHY, PSEUDOHYPERTROPHIC PROGRESSIVE, DUCHENNE TYPE; Duchenne Muscular Dystrophy (DMD). Identifiers: Orphanet 98896, MedGen C0013264, MONDO:0010679, OMIM 310200.
Dilated cardiomyopathy 3B (CMD3B). Also called: CMD3B: DMD-Related Dilated Cardiomyopathy; CARDIOMYOPATHY, DILATED, X-LINKED; DMD-Associated Dilated Cardiomyopathy. Identifiers: Orphanet 154, MedGen C3668940, MONDO:0010542, OMIM 302045.
Cardiomyopathy (CMYO). Also called: Cardiomyopathies. Identifiers: Orphanet 167848, MedGen C0878544, MONDO:0004994, HP:0001638. Inheritance: Various modes of inheritance.
Becker muscular dystrophy (BMD). Also called: MUSCULAR DYSTROPHY, PSEUDOHYPERTROPHIC PROGRESSIVE, BECKER TYPE; Becker Muscular Dystrophy (BMD). Identifiers: Orphanet 98895, MedGen C0917713, MONDO:0010311, OMIM 300376.
Dystrophin deficiency.

Allele frequency attached by ClinVar (database versions not stated): TOPMed below 0.00001; ExAC 0.00001; gnomAD exomes 0.00001 and 0.00002.
gnomAD v4.1: 13 of 1,210,672 alleles (0.0011%); highest among the groups gnomAD compares: South Asian, 0.007%; no homozygotes.

Submissions (5):

Labcorp Genetics (formerly Invitae), Labcorp
Classification: Likely benign for Duchenne muscular dystrophy. Last evaluated: 2025-12-17. Review status: criteria provided, single submitter. Criteria: Invitae Variant Classification Sherloc (09022015). Collection method: clinical testing. Allele origin: germline.

Women's Health and Genetics/Laboratory Corporation of America, LabCorp
Classification: Uncertain significance. Last evaluated: 2025-11-28. Review status: criteria provided, single submitter. Criteria: LabCorp Variant Classification Summary - May 2015. Collection method: clinical testing. Allele origin: germline.

Illumina Laboratory Services, Illumina
Classification: Uncertain significance for Dilated cardiomyopathy 3B. Last evaluated: 2018-01-12. Review status: criteria provided, single submitter. Criteria: ICSL Variant Classification Criteria 13 December 2019. Collection method: clinical testing. Allele origin: germline.

GeneDx
Classification: Likely benign. Last evaluated: 2017-02-03. Review status: criteria provided, single submitter. Criteria: GeneDx Variant Classification (06012015). Collection method: clinical testing. Allele origin: germline. Affected: yes.
Comment: This variant is considered likely benign or benign based on one or more of the following criteria: it is a conservative change, it occurs at a poorly conserved position in the protein, it is predicted to be benign by multiple in silico algorithms, and/or has population frequency not consistent with disease.

Natera, Inc.
Classification: Likely benign for Becker muscular dystrophy; Cardiomyopathy; Duchenne muscular dystrophy; Dystrophin deficiency. Last evaluated: 2021-02-02. Review status: no assertion criteria provided. Collection method: clinical testing. Allele origin: germline. Not counted in ClinVar's aggregate classification.